The following is an entry in ClinVar:

ClinVar aggregate classification (germline): Uncertain significance. Review status: criteria provided, multiple submitters, no conflicts (2 of 4 stars). 2 submissions from 2 submitters: Uncertain significance (2). Last evaluated 2024-10-30.

Allele frequency attached by ClinVar (database versions not stated): gnomAD exomes below 0.00001; ExAC 0.00001.
gnomAD v4.1: 3 of 1,614,016 alleles (0.00019%); highest among the groups gnomAD compares: East Asian, 0.0045%; no homozygotes.

Submissions (2):

Labcorp Genetics (formerly Invitae), Labcorp
Classification: Uncertain significance. Last evaluated: 2024-10-30. Review status: criteria provided, single submitter. Criteria: Invitae Variant Classification Sherloc (09022015). Collection method: clinical testing. Allele origin: germline.
Comment: This sequence change replaces glutamic acid, which is acidic and polar, with aspartic acid, which is acidic and polar, at codon 1911 of the NIN protein (p.Glu1911Asp). This variant is present in population databases (rs753636069, gnomAD 0.01%). This variant has not been reported in the literature in individuals affected with NIN-related conditions. ClinVar contains an entry for this variant (Variation ID: 1916111). An algorithm developed to predict the effect of missense changes on protein structure and function (PolyPhen-2) suggests that this variant is likely to be tolerated. In summary, the available evidence is currently insufficient to determine the role of this variant in disease. Therefore, it has been classified as a Variant of Uncertain Significance.

Ambry Genetics
Classification: Uncertain significance. Last evaluated: 2023-05-03. Review status: criteria provided, single submitter. Criteria: Ambry Variant Classification Scheme 2023. Collection method: clinical testing. Allele origin: germline.

NM_020921.4(NIN):c.5733G>C (p.Glu1911Asp)

Gene: NIN (ninein; minus strand). Cytogenetic location: 14q22.1.
Variant type: single nucleotide variant.
Coding change: c.5733G>C on transcript NM_020921.4 (MANE Select); coding-DNA position 5733, G replaced by C.
Protein change: p.Glu1911Asp; replaces glutamic acid 1911 with aspartic acid.
Molecular consequence: missense variant.
Genome position (GRCh38, 1-based): chr14:50,738,182, C>G on the plus strand (G>C on the coding strand, the complement: NIN is on the minus strand). VCF-style: chr14-50738182-C-G. GRCh37 (hg19) VCF-style: chr14-51204900-C-G.
Other names: c.5733G>C (NM_020921.3); c.3594G>C, p.Glu1198Asp (NM_016350.5); c.5733G>C, p.Glu1911Asp (NM_182944.3, NM_182946.2); short protein forms E1198D, E1911D.
Identifiers: ClinVar variation 1916111 (VCV001916111.7), dbSNP rs753636069, ClinGen allele CA7181178.